The following is an entry in ClinVar:

ClinVar aggregate classification (germline): Conflicting classifications of pathogenicity. Review status: criteria provided, conflicting classifications (1 of 4 stars). 4 submissions from 4 submitters: Uncertain significance (3); Likely benign (1). Last evaluated 2024-09-03.

Conditions:
Arrhythmogenic right ventricular cardiomyopathy (ARVD). Also called: Arrhythmogenic cardiomyopathy; Cardiomyopathy, ARVC; Arrhythmogenic right ventricular dysplasia; Arrhythmogenic Right Ventricular Cardiomyopathy (ARVC). Identifiers: Orphanet 247, MedGen C0349788, MeSH D019571, MONDO:0016587. Disease mechanism: loss of function. Inheritance: Various modes of inheritance.
Cardiomyopathy (CMYO). Also called: Cardiomyopathies. Identifiers: Orphanet 167848, MedGen C0878544, MONDO:0004994, HP:0001638. Inheritance: Various modes of inheritance.
Arrhythmogenic right ventricular dysplasia 9 (ARVD9). Also called: Arrhythmogenic Right Ventricular Dysplasia/Cardiomyopathy 9; ARRHYTHMOGENIC RIGHT VENTRICULAR DYSPLASIA, FAMILIAL, 9. Identifiers: MedGen C1836906, MONDO:0012180, OMIM 609040.

Allele frequency attached by ClinVar (database versions not stated): gnomAD exomes 0.00001.
gnomAD v4.1: 8 of 1,614,026 alleles (0.0005%); highest among the groups gnomAD compares: South Asian, 0.0033%; no homozygotes.

Submissions (4):

Color Diagnostics, LLC DBA Color Health
Classification: Likely benign for Cardiomyopathy. Last evaluated: 2024-09-03. Review status: criteria provided, single submitter. Criteria: ACMG Guidelines, 2015. Collection method: clinical testing. Allele origin: germline.

All of Us Research Program, National Institutes of Health
Classification: Uncertain significance for Arrhythmogenic right ventricular cardiomyopathy. Last evaluated: 2023-08-15. Review status: criteria provided, single submitter. Criteria: ACMG Guidelines, 2015. Collection method: clinical testing. Allele origin: germline. Inheritance: Autosomal dominant inheritance. Observed: 2 variant alleles, 2 heterozygotes.
Comment: This missense variant replaces arginine with histidine at codon 212 of the PKP2 protein. Computational prediction suggests that this variant may not impact protein structure and function (internally defined REVEL score threshold <= 0.5, PMID: 27666373). To our knowledge, functional studies have not been reported for this variant. This variant has not been reported in individuals affected with PKP2-related disorders in the literature. This variant has not been identified in the general population by the Genome Aggregation Database (gnomAD). The available evidence is insufficient to determine the role of this variant in disease conclusively. Therefore, this variant is classified as a Variant of Uncertain Significance.

This study involves interpretation of variants in research participants for the purpose of population health screening. Participant phenotype was not available at the time of variant classification. Additional details can be found in publication PMID: 35346344, PMCID: PMC8962531

CeGaT Center for Human Genetics Tuebingen
Classification: Uncertain significance. Last evaluated: 2022-10-01. Review status: criteria provided, single submitter. Criteria: CeGaT Center For Human Genetics Tuebingen Variant Classification Criteria Version 2. Collection method: clinical testing. Allele origin: germline. Affected: yes. Observed: 1 variant allele.
Comment: PKP2: PM2, BP4

Labcorp Genetics (formerly Invitae), Labcorp
Classification: Uncertain significance for Arrhythmogenic right ventricular dysplasia 9. Last evaluated: 2022-04-23. Review status: criteria provided, single submitter. Criteria: Invitae Variant Classification Sherloc (09022015). Collection method: clinical testing. Allele origin: germline.
Comment: In summary, the available evidence is currently insufficient to determine the role of this variant in disease. Therefore, it has been classified as a Variant of Uncertain Significance. Algorithms developed to predict the effect of missense changes on protein structure and function (SIFT, PolyPhen-2, Align-GVGD) all suggest that this variant is likely to be tolerated. ClinVar contains an entry for this variant (Variation ID: 1054191). This variant has not been reported in the literature in individuals affected with PKP2-related conditions. This variant is not present in population databases (gnomAD no frequency). This sequence change replaces arginine, which is basic and polar, with histidine, which is basic and polar, at codon 212 of the PKP2 protein (p.Arg212His).

NM_001005242.3(PKP2):c.635G>A (p.Arg212His)

Gene: PKP2 (plakophilin 2; minus strand). Cytogenetic location: 12p11.21.
Variant type: single nucleotide variant.
Coding change: c.635G>A on transcript NM_001005242.3 (MANE Select); coding-DNA position 635, G replaced by A.
Protein change: p.Arg212His; replaces arginine 212 with histidine.
Molecular consequence: missense variant.
Genome position (GRCh38, 1-based): chr12:32,878,245, C>T on the plus strand (G>A on the coding strand, the complement: PKP2 is on the minus strand). VCF-style: chr12-32878245-C-T. GRCh37 (hg19) VCF-style: chr12-33031179-C-T.
Other names: c.635G>A, p.Arg212His (NM_004572.4); short protein forms R212H.
Identifiers: ClinVar variation 1054191 (VCV001054191.33), dbSNP rs1369618463, ClinGen allele CA384363873.